The following is an entry in ClinVar:

ClinVar aggregate classification (germline): Benign (1 of 4 stars; one submission).

Allele frequency attached by ClinVar (database versions not stated): gnomAD 0.03251 and 0.03474; TOPMed 0.03448; 1000 Genomes Project 0.04133; 1000 Genomes Project 30x 0.04279.
gnomAD v4.1: 8,352 of 1,173,956 alleles (0.71%); highest among the groups gnomAD compares: African/African-American, 11%; 414 homozygotes.

Submission:

GeneDx
Classification: Benign. Last evaluated: 2018-06-14. Review status: criteria provided, single submitter. Criteria: GeneDx Variant Classification (06012015). Collection method: clinical testing. Allele origin: germline. Affected: yes.
Comment: This variant is considered likely benign or benign based on one or more of the following criteria: it is a conservative change, it occurs at a poorly conserved position in the protein, it is predicted to be benign by multiple in silico algorithms, and/or has population frequency not consistent with disease.

NM_014165.4(NDUFAF4):c.136+149C>T

Gene: NDUFAF4 (NADH:ubiquinone oxidoreductase complex assembly factor 4; minus strand). Cytogenetic location: 6q16.1.
Variant type: single nucleotide variant.
Coding change: c.136+149C>T on transcript NM_014165.4 (MANE Select); 149 bases into the intron after coding-DNA position 136, C replaced by T.
Molecular consequence: intron variant.
Genome position (GRCh38, 1-based): chr6:96,897,517, G>A on the plus strand (C>T on the coding strand, the complement: NDUFAF4 is on the minus strand). VCF-style: chr6-96897517-G-A. GRCh37 (hg19) VCF-style: chr6-97345393-G-A.
Identifiers: ClinVar variation 675543 (VCV000675543.1), dbSNP rs7772053, ClinGen allele CA144203208.